The following is an entry in ClinVar:

ClinVar aggregate classification (germline): Likely benign. Review status: criteria provided, single submitter (1 of 4 stars). 2 submissions from 2 submitters: Likely benign (1). 1 of the submissions does not count toward it. Last evaluated 2023-10-05.

Conditions:
TMEM216-related disorder. Also called: TMEM216-related disorders; TMEM216-related condition.
Joubert syndrome. Also called: JOUBERT-BOLTSHAUSER SYNDROME; Familial aplasia of the vermis. Identifiers: Orphanet 475, MedGen C5979921, MONDO:0018772.

Allele frequency attached by ClinVar (database versions not stated): TOPMed below 0.00001; gnomAD exomes 0.00001.
gnomAD v4.1: 20 of 1,535,716 alleles (0.0013%); highest among the groups gnomAD compares: Non-Finnish European, 0.0017%; no homozygotes.

Submissions (2):

Labcorp Genetics (formerly Invitae), Labcorp
Classification: Likely benign for Joubert syndrome. Last evaluated: 2023-10-05. Review status: criteria provided, single submitter. Criteria: Invitae Variant Classification Sherloc (09022015). Collection method: clinical testing. Allele origin: germline.

PreventionGenetics, part of Exact Sciences
Classification: Likely benign for TMEM216-related condition. Last evaluated: 2024-07-11. Review status: no assertion criteria provided. Collection method: clinical testing. Allele origin: germline. Not counted in ClinVar's aggregate classification.
Comment: This variant is classified as likely benign based on ACMG/AMP sequence variant interpretation guidelines (Richards et al. 2015 PMID: 25741868, with internal and published modifications).

NM_001173990.3(TMEM216):c.114A>G (p.Glu38=)

Gene: TMEM216 (transmembrane protein 216; plus strand). Cytogenetic location: 11q12.2.
Variant type: single nucleotide variant.
Coding change: c.114A>G on transcript NM_001173990.3 (MANE Select); coding-DNA position 114, A replaced by G.
Protein change: p.Glu38=; no amino-acid change (glutamic acid 38 retained).
Molecular consequence: synonymous variant. On other transcripts: 5 prime UTR variant (2).
Genome position (GRCh38, 1-based): chr11:61,393,310, A>G. VCF-style: chr11-61393310-A-G. GRCh37 (hg19) VCF-style: chr11-61160782-A-G.
Other names: c.114A>G (NM_001173991.2); c.114A>G, p.Glu38= (NM_001173991.3); c.-70A>G (NM_001330285.2, NM_016499.6).
Identifiers: ClinVar variation 1144202 (VCV001144202.10), dbSNP rs1425619800, ClinGen allele CA474518533.